The following is an entry in ClinVar:

ClinVar aggregate classification (germline): Likely benign (1 of 4 stars; one submission).

Allele frequency attached by ClinVar (database versions not stated): gnomAD exomes 0.00001.

Submission:

GeneDx
Classification: Likely benign. Last evaluated: 2021-10-28. Review status: criteria provided, single submitter. Criteria: GeneDx Variant Classification Process June 2021. Collection method: clinical testing. Allele origin: germline. Affected: yes.
Comment: See Variant Classification Assertion Criteria.

NM_005006.7(NDUFS1):c.1262+143G>T

Gene: NDUFS1 (NADH:ubiquinone oxidoreductase core subunit S1; minus strand). Cytogenetic location: 2q33.3.
Variant type: single nucleotide variant.
Coding change: c.1262+143G>T on transcript NM_005006.7 (MANE Select); 143 bases into the intron after coding-DNA position 1262, G replaced by T.
Molecular consequence: intron variant.
Genome position (GRCh38, 1-based): chr2:206,141,798, C>A on the plus strand (G>T on the coding strand, the complement: NDUFS1 is on the minus strand). VCF-style: chr2-206141798-C-A. GRCh37 (hg19) VCF-style: chr2-207006522-C-A.
Other names: c.929+143G>T (NM_001199982.2); c.1091+143G>T (NM_001199983.2); c.1154+143G>T (NM_001199981.2); c.1304+143G>T (NM_001199984.2).
Identifiers: ClinVar variation 1683826 (VCV001683826.2), dbSNP rs1286980897, ClinGen allele CA539057594.